The following is an entry in ClinVar:

NM_002204.4(ITGA3):c.1469+2T>A

Gene: ITGA3 (integrin subunit alpha 3; plus strand). Cytogenetic location: 17q21.33.
Variant type: single nucleotide variant.
Coding change: c.1469+2T>A on transcript NM_002204.4 (MANE Select); the canonical splice donor site of the intron after coding-DNA position 1469, T replaced by A.
Molecular consequence: splice donor variant.
Genome position (GRCh38, 1-based): chr17:50,074,536, T>A. VCF-style: chr17-50074536-T-A. GRCh37 (hg19) VCF-style: chr17-48151900-T-A.
Identifiers: ClinVar variation 2869441 (VCV002869441.3), dbSNP rs2508937834, ClinGen allele CA400181556.
Genomic context (GRCh38, chr17:50,074,536, plus strand): 5'-AAGACCTTGGTGCCCAGGCCAGCTGTGCTGGACCCTGCACTTTGCACGGCCACCTCTTGG[T>A]GAGATTGTTCTGCCCACCTACTCCTCATTTATTTATAGGGAGGCTAGGAGGGGCTGCAGC-3'

ClinVar aggregate classification (germline): Likely pathogenic (1 of 4 stars; one submission).

Submission:

Labcorp Genetics (formerly Invitae), Labcorp
Classification: Likely pathogenic. Last evaluated: 2023-09-17. Review status: criteria provided, single submitter. Criteria: Invitae Variant Classification Sherloc (09022015). Collection method: clinical testing. Allele origin: germline.
Comment: In summary, the currently available evidence indicates that the variant is pathogenic, but additional data are needed to prove that conclusively. Therefore, this variant has been classified as Likely Pathogenic. Algorithms developed to predict the effect of sequence changes on RNA splicing suggest that this variant may disrupt the consensus splice site. This variant has not been reported in the literature in individuals affected with ITGA3-related conditions. This variant is not present in population databases (gnomAD no frequency). This sequence change affects a donor splice site in intron 10 of the ITGA3 gene. It is expected to disrupt RNA splicing. Variants that disrupt the donor or acceptor splice site typically lead to a loss of protein function (PMID: 16199547), and loss-of-function variants in ITGA3 are known to be pathogenic (PMID: 22512483).

Literature cited by the submitters: PubMed 16199547; PubMed 22512483.